The following is an entry in ClinVar:

NC_000020.10:g.(?_62050952)_(62070093_?)dup

Gene: KCNQ2 (potassium voltage-gated channel subfamily Q member 2; minus strand). Cytogenetic location: 20q13.33.
Variant type: Duplication.
Identifiers: ClinVar variation 3248253 (VCV003248253.1).

ClinVar aggregate classification (germline): Likely pathogenic (1 of 4 stars; one submission).

Conditions:
Developmental and epileptic encephalopathy. Identifiers: MedGen C5779964, MONDO:0100620.

Submission:

Labcorp Genetics (formerly Invitae), Labcorp
Classification: Likely pathogenic for Early-infantile DEE. Last evaluated: 2023-05-20. Review status: criteria provided, single submitter. Criteria: Invitae Variant Classification Sherloc (09022015). Collection method: clinical testing. Allele origin: unknown.
Comment: In summary, the currently available evidence indicates that the variant is pathogenic, but additional data are needed to prove that conclusively. Therefore, this variant has been classified as Likely Pathogenic. A similar copy number variant has been observed in individual(s) with clinical features of benign familial neonatal seizures (Invitae). This variant results in a copy number gain of the genomic region encompassing exon(s) 7-12 of the KCNQ2 gene. While the exact position of this variant cannot be determined from the data, sub-genic copy number gains are generally in tandem (PMID: 25640679). This variant is predicted to be out-of-frame, and may result in an absent or disrupted protein product. Loss-of-function variants in KCNQ2 are known to be pathogenic (PMID: 14534157, 23692823, 27779742).

Literature cited by the submitters: PubMed 25640679; PubMed 14534157; PubMed 23692823; PubMed 27779742.